The following is an entry in ClinVar:

ClinVar aggregate classification (germline): Uncertain significance (1 of 4 stars; one submission).

Conditions:
Brugada syndrome. Also called: Sudden unexpected nocturnal death syndrome; Sudden unexplained nocturnal death syndrome; Sudden Unexplained Death Syndrome; Sudden Unexplained Nocturnal Death Syndrome (SUNDS). Identifiers: Orphanet 130, MedGen C1142166, MONDO:0015263.

gnomAD v4.1: 1 of 1,599,206 alleles (0.000063%); no homozygotes.

Submission:

Labcorp Genetics (formerly Invitae), Labcorp
Classification: Uncertain significance for Brugada syndrome. Last evaluated: 2025-08-03. Review status: criteria provided, single submitter. Criteria: Invitae Variant Classification Sherloc (09022015). Collection method: clinical testing. Allele origin: germline.
Comment: This sequence change replaces valine, which is neutral and non-polar, with alanine, which is neutral and non-polar, at codon 141 of the SLMAP protein (p.Val141Ala). This variant is not present in population databases (gnomAD no frequency). This variant has not been reported in the literature in individuals affected with SLMAP-related conditions. An algorithm developed to predict the effect of missense changes on protein structure and function (PolyPhen-2) suggests that this variant is likely to be disruptive. In summary, the available evidence is currently insufficient to determine the role of this variant in disease. Therefore, it has been classified as a Variant of Uncertain Significance.

NM_001377540.1(SLMAP):c.422T>C (p.Val141Ala)

Gene: SLMAP (sarcolemma associated protein; plus strand). Cytogenetic location: 3p14.3.
Variant type: single nucleotide variant.
Coding change: c.422T>C on transcript NM_001377540.1 (MANE Select); coding-DNA position 422, T replaced by C.
Protein change: p.Val141Ala; replaces valine 141 with alanine.
Molecular consequence: missense variant. On other transcripts: non-coding transcript variant (1).
Genome position (GRCh38, 1-based): chr3:57,847,199, T>C. VCF-style: chr3-57847199-T-C. GRCh37 (hg19) VCF-style: chr3-57832926-T-C.
Other names: c.422T>C, p.Val141Ala (NM_001304420.3, NM_001304421.2, NM_001377538.1 and 17 more transcripts); short protein forms V141A.
Identifiers: ClinVar variation 4741677 (VCV004741677.1).
Genomic context (GRCh38, chr3:57,847,199, plus strand): 5'-TACTCTGTTTCCTCTATTGTCCGGATATTAGATAAAACTTCTAAATTTTACTTTTCAGTG[T>C]CATCCATGCACCATTACCAAGTCCTGTTGACAAAGTAAGTTGCTAATGATTATTTTTTCC-3'
Protein context (NP_001364469.1, residues 131-151): DGMEARLRSD[Val141Ala]IHAPLPSPVD